The following is an entry in ClinVar:

ClinVar aggregate classification (germline): Uncertain significance. Review status: criteria provided, multiple submitters, no conflicts (2 of 4 stars). 2 submissions from 2 submitters: Uncertain significance (2). Last evaluated 2024-06-03.

Allele frequency attached by ClinVar (database versions not stated): gnomAD exomes 0.00002.
gnomAD v4.1: 9 of 1,512,982 alleles (0.00059%); highest among the groups gnomAD compares: Non-Finnish European, 0.0008%; no homozygotes.

Submissions (2):

Labcorp Genetics (formerly Invitae), Labcorp
Classification: Uncertain significance. Last evaluated: 2024-06-03. Review status: criteria provided, single submitter. Criteria: Invitae Variant Classification Sherloc (09022015). Collection method: clinical testing. Allele origin: germline.
Comment: This sequence change replaces alanine, which is neutral and non-polar, with threonine, which is neutral and polar, at codon 108 of the CIB2 protein (p.Ala108Thr). This variant is not present in population databases (gnomAD no frequency). This variant has not been reported in the literature in individuals affected with CIB2-related conditions. ClinVar contains an entry for this variant (Variation ID: 1496937). An algorithm developed to predict the effect of missense changes on protein structure and function (PolyPhen-2) suggests that this variant¬†is likely to be tolerated. In summary, the available evidence is currently insufficient to determine the role of this variant in disease. Therefore, it has been classified as a Variant of Uncertain Significance.

Mayo Clinic Laboratories, Mayo Clinic
Classification: Uncertain significance. Last evaluated: 2022-07-29. Review status: criteria provided, single submitter. Criteria: ACMG Guidelines, 2015. Collection method: clinical testing. Allele origin: germline. Observed: 1 variant allele.
Comment: PM2

NM_006383.4(CIB2):c.322G>A (p.Ala108Thr)

Gene: CIB2 (calcium and integrin binding family member 2; minus strand). Cytogenetic location: 15q25.1.
Variant type: single nucleotide variant.
Coding change: c.322G>A on transcript NM_006383.4 (MANE Select); coding-DNA position 322, G replaced by A.
Protein change: p.Ala108Thr; replaces alanine 108 with threonine.
Molecular consequence: missense variant. On other transcripts: non-coding transcript variant (1).
Genome position (GRCh38, 1-based): chr15:78,109,259, C>T on the plus strand (G>A on the coding strand, the complement: CIB2 is on the minus strand). VCF-style: chr15-78109259-C-T. GRCh37 (hg19) VCF-style: chr15-78401601-C-T.
Other names: p.Ala108Thr; c.193G>A, p.Ala65Thr (NM_001271888.2); c.175G>A, p.Ala59Thr (NM_001271889.2); c.337G>A, p.Ala113Thr (NM_001301224.2); c.322G>A (NM_006383.3); short protein forms A108T, A113T, A59T, A65T.
Identifiers: ClinVar variation 1496937 (VCV001496937.6), dbSNP rs2141887118, ClinGen allele CA393546772.